The following is an entry in ClinVar:

ClinVar aggregate classification (germline): Conflicting classifications of pathogenicity. Review status: criteria provided, conflicting classifications (1 of 4 stars). 2 submissions from 2 submitters: Uncertain significance (1); Likely benign (1). Last evaluated 2026-06-29.

Conditions:
Hereditary cancer-predisposing syndrome. Also called: Tumor predisposition; Hereditary neoplastic syndrome; Neoplastic Syndromes, Hereditary; Hereditary Cancer Syndrome. Identifiers: Orphanet 140162, MedGen C0027672, MeSH D009386, MONDO:0015356.
Juvenile polyposis syndrome (JPS). Identifiers: Orphanet 2929, MedGen C0345893, MONDO:0017380, OMIM 174900.

Submissions (2):

Ambry Genetics
Classification: Likely benign for Hereditary cancer-predisposing syndrome. Last evaluated: 2026-06-29. Review status: criteria provided, single submitter. Criteria: Ambry Variant Classification Scheme 2023. Collection method: clinical testing. Allele origin: germline.

Labcorp Genetics (formerly Invitae), Labcorp
Classification: Uncertain significance for Juvenile polyposis syndrome. Last evaluated: 2024-06-28. Review status: criteria provided, single submitter. Criteria: Invitae Variant Classification Sherloc (09022015). Collection method: clinical testing. Allele origin: germline.
Comment: This sequence change replaces arginine, which is basic and polar, with lysine, which is basic and polar, at codon 9 of the BMPR1A protein (p.Arg9Lys). This variant is not present in population databases (gnomAD no frequency). This variant has not been reported in the literature in individuals affected with BMPR1A-related conditions. ClinVar contains an entry for this variant (Variation ID: 1713296). Advanced modeling of protein sequence and biophysical properties (such as structural, functional, and spatial information, amino acid conservation, physicochemical variation, residue mobility, and thermodynamic stability) performed at Invitae indicates that this missense variant is not expected to disrupt BMPR1A protein function with a negative predictive value of 95%. In summary, the available evidence is currently insufficient to determine the role of this variant in disease. Therefore, it has been classified as a Variant of Uncertain Significance.

NM_004329.3(BMPR1A):c.26G>A (p.Arg9Lys)

Gene: BMPR1A (bone morphogenetic protein receptor type 1A; plus strand). Cytogenetic location: 10q23.2.
Variant type: single nucleotide variant.
Coding change: c.26G>A on transcript NM_004329.3 (MANE Select); coding-DNA position 26, G replaced by A.
Protein change: p.Arg9Lys; replaces arginine 9 with lysine.
Molecular consequence: missense variant.
Genome position (GRCh38, 1-based): chr10:86,876,044, G>A. VCF-style: chr10-86876044-G-A. GRCh37 (hg19) VCF-style: chr10-88635801-G-A.
Other names: c.26G>A, p.Arg9Lys (NM_001406561.1, NM_001406562.1, NM_001406563.1 and 23 more transcripts); c.-54G>A (NM_001406588.1); short protein forms R9K.
Identifiers: ClinVar variation 1713296 (VCV001713296.9), dbSNP rs766269417, ClinGen allele CA377774792.